The following is an entry in ClinVar:

NM_005876.5(SPEG):c.5289T>C (p.Phe1763=)

Gene: SPEG (striated muscle enriched protein kinase; plus strand). Cytogenetic location: 2q35.
Variant type: single nucleotide variant.
Coding change: c.5289T>C on transcript NM_005876.5 (MANE Select); coding-DNA position 5289, T replaced by C.
Protein change: p.Phe1763=; no amino-acid change (phenylalanine 1763 retained).
Molecular consequence: synonymous variant.
Genome position (GRCh38, 1-based): chr2:219,480,087, T>C. VCF-style: chr2-219480087-T-C. GRCh37 (hg19) VCF-style: chr2-220344809-T-C.
Other names: p.Phe1763=.
Identifiers: ClinVar variation 791472 (VCV000791472.48), dbSNP rs377721845, ClinGen allele CA2126778.

ClinVar aggregate classification (germline): Likely benign. Review status: criteria provided, multiple submitters, no conflicts (2 of 4 stars). 6 submissions from 6 submitters: Likely benign (5). 1 of the submissions does not count toward it. Last evaluated 2025-12-03.

Conditions:
SPEG-related disorder. Also called: SPEG-related condition.

Allele frequency attached by ClinVar (database versions not stated): ExAC 0.00047; gnomAD exomes 0.00059 and 0.00126; gnomAD 0.00060 and 0.00064; TOPMed 0.00060; ESP Exome Variant Server 0.00071.
gnomAD v4.1: 1,900 of 1,613,818 alleles (0.12%); highest among the groups gnomAD compares: Non-Finnish European, 0.15%; 2 homozygotes.

Submissions (6):

Labcorp Genetics (formerly Invitae), Labcorp
Classification: Likely benign. Last evaluated: 2025-12-03. Review status: criteria provided, single submitter. Criteria: Invitae Variant Classification Sherloc (09022015). Collection method: clinical testing. Allele origin: germline.

Mayo Clinic Laboratories, Mayo Clinic
Classification: Likely benign. Last evaluated: 2025-10-31. Review status: criteria provided, single submitter. Criteria: ACMG Guidelines, 2015. Collection method: clinical testing. Allele origin: germline. Observed: 1 variant allele.
Comment: BS1, BP4, BP7

Blueprint Genetics
Classification: Likely benign. Last evaluated: 2024-04-26. Review status: criteria provided, single submitter. Criteria: ACMG Guidelines, 2015. Collection method: clinical testing. Allele origin: germline.

CeGaT Center for Human Genetics Tuebingen
Classification: Likely benign. Last evaluated: 2023-01-01. Review status: criteria provided, single submitter. Criteria: CeGaT Center For Human Genetics Tuebingen Variant Classification Criteria Version 2. Collection method: clinical testing. Allele origin: germline. Affected: yes. Observed: 2 variant alleles.
Comment: SPEG: BP4, BP7

Breakthrough Genomics
Classification: Likely benign. Review status: criteria provided, single submitter. Criteria: ACMG Guidelines, 2015. Collection method: not provided. Allele origin: germline. Inheritance: Autosomal recessive inheritance. Affected: yes.

PreventionGenetics, part of Exact Sciences
Classification: Likely benign for SPEG-related condition. Last evaluated: 2024-08-08. Review status: no assertion criteria provided. Collection method: clinical testing. Allele origin: germline. Not counted in ClinVar's aggregate classification.
Comment: This variant is classified as likely benign based on ACMG/AMP sequence variant interpretation guidelines (Richards et al. 2015 PMID: 25741868, with internal and published modifications).